The following is an entry in ClinVar:

NM_153717.3(EVC):c.2264C>T (p.Ala755Val)

Gene: EVC (EvC ciliary complex subunit 1; plus strand). Cytogenetic location: 4p16.2.
Variant type: single nucleotide variant.
Coding change: c.2264C>T on transcript NM_153717.3 (MANE Select); coding-DNA position 2264, C replaced by T.
Protein change: p.Ala755Val; replaces alanine 755 with valine.
Molecular consequence: missense variant.
Genome position (GRCh38, 1-based): chr4:5,798,752, C>T. VCF-style: chr4-5798752-C-T. GRCh37 (hg19) VCF-style: chr4-5800479-C-T.
Other names: c.2264C>T, p.Ala755Val (NM_001306090.2); short protein forms A755V.
Identifiers: ClinVar variation 3749549 (VCV003749549.2).

ClinVar aggregate classification (germline): Uncertain significance (1 of 4 stars; one submission).

Conditions:
Ellis-van Creveld syndrome (EVC). Also called: EVC-Related Ellis-van Creveld Syndrome; EVC2-Related Ellis-van Creveld Syndrome; MESOECTODERMAL DYSPLASIA; Chondroectodermal dysplasia. Identifiers: Orphanet 289, MedGen C0013903, MONDO:0009162, OMIM 225500.
Curry-Hall syndrome (WAD). Also called: WEYERS ACRODENTAL DYSOSTOSIS. Identifiers: Orphanet 952, MedGen C0457013, MONDO:0008673, OMIM 193530.

gnomAD v4.1: 1 of 1,611,162 alleles (0.000062%); highest among the groups gnomAD compares: Non-Finnish European, 0.000085%; no homozygotes.

Submission:

Labcorp Genetics (formerly Invitae), Labcorp
Classification: Uncertain significance for Curry-Hall syndrome; Ellis-van Creveld syndrome. Last evaluated: 2024-05-30. Review status: criteria provided, single submitter. Criteria: Invitae Variant Classification Sherloc (09022015). Collection method: clinical testing. Allele origin: germline.
Comment: This sequence change replaces alanine, which is neutral and non-polar, with valine, which is neutral and non-polar, at codon 755 of the EVC protein (p.Ala755Val). This variant is not present in population databases (gnomAD no frequency). This variant has not been reported in the literature in individuals affected with EVC-related conditions. Advanced modeling of protein sequence and biophysical properties (such as structural, functional, and spatial information, amino acid conservation, physicochemical variation, residue mobility, and thermodynamic stability) performed at Invitae indicates that this missense variant is not expected to disrupt EVC protein function with a negative predictive value of 80%. In summary, the available evidence is currently insufficient to determine the role of this variant in disease. Therefore, it has been classified as a Variant of Uncertain Significance.